The following is an entry in ClinVar:

ClinVar aggregate classification (germline): Likely benign (1 of 4 stars; one submission).

Conditions:
TMEM67-related disorder. Also called: TMEM67-related condition; TMEM67-related disorders. Identifiers: MedGen CN239423.

Submission:

PreventionGenetics, part of Exact Sciences
Classification: Likely benign for TMEM67-related condition. Last evaluated: 2026-07-23. Review status: criteria provided, single submitter. Criteria: ACMG Guidelines, 2015. Collection method: clinical testing. Allele origin: germline.
Comment: This variant is classified as likely benign based on ACMG/AMP sequence variant interpretation guidelines (Richards et al. 2015 PMID: 25741868, with internal and published modifications).

NM_153704.6(TMEM67):c.1098T>A (p.Ala366=)

Gene: TMEM67 (transmembrane protein 67; plus strand). Cytogenetic location: 8q22.1.
Variant type: single nucleotide variant.
Coding change: c.1098T>A on transcript NM_153704.6 (MANE Select); coding-DNA position 1098, T replaced by A.
Protein change: p.Ala366=; no amino-acid change (alanine 366 retained).
Molecular consequence: synonymous variant. On other transcripts: non-coding transcript variant (1).
Genome position (GRCh38, 1-based): chr8:93,782,427, T>A. VCF-style: chr8-93782427-T-A. GRCh37 (hg19) VCF-style: chr8-94794655-T-A.
Other names: c.855T>A, p.Ala285= (NM_001142301.1).
Identifiers: ClinVar variation 4993200 (VCV004993200.1).
Genomic context (GRCh38, chr8:93,782,427, plus strand): 5'-ATTTATCTGTTGTATTATTTTGCTGCAGCTTTGTCCAGACACAGAGACAAGGCTAAATGC[T>A]GCTTATTCATTTGGAACAACCTACCAACAAAATGTAAGTTTGAACGATATTAGTCTATAT-3'
Protein context (NP_714915.3, residues 356-376): LCPDTETRLN[Ala366=]AYSFGTTYQQ